The following is an entry in ClinVar:

ClinVar aggregate classification (germline): Uncertain significance (1 of 4 stars; one submission).

Submission:

GeneDx
Classification: Uncertain significance. Last evaluated: 2026-03-09. Review status: criteria provided, single submitter. Criteria: GeneDx Variant Classification Process June 2021. Collection method: clinical testing. Allele origin: germline.
Comment: Not observed at significant frequency in large population cohorts (gnomAD); In silico analysis suggests that this missense variant does not alter protein structure/function; Has not been previously published as pathogenic or benign to our knowledge

NM_177433.3(MAGED2):c.65A>G (p.Asp22Gly)

Gene: MAGED2 (MAGE family member D2; plus strand). Cytogenetic location: Xp11.21.
Variant type: single nucleotide variant.
Coding change: c.65A>G on transcript NM_177433.3 (MANE Select); coding-DNA position 65, A replaced by G.
Protein change: p.Asp22Gly; replaces aspartic acid 22 with glycine.
Molecular consequence: missense variant.
Genome position (GRCh38, 1-based): chrX:54,809,741, A>G. VCF-style: chrX-54809741-A-G. GRCh37 (hg19) VCF-style: chrX-54836174-A-G.
Other names: c.65A>G, p.Asp22Gly (NM_014599.6, NM_201222.3); short protein forms D22G.
Identifiers: ClinVar variation 5008271 (VCV005008271.1).
Genomic context (GRCh38, chrX:54,809,741, plus strand): 5'-GTGAGGAGAAGGTCTATGAACTTCCCTGCTTCCTCTTGCAGGCTGAAGCTTCAGAAAAGG[A>G]CAGTAGCTCGATGATGCAGACTCTGTTGACAGTGACCCAGAATGTGGAGGTCCCAGAGAC-3'
Protein context (NP_803182.1, residues 12-32): TRFQAEASEK[Asp22Gly]SSSMMQTLLT